The following is an entry in ClinVar:

NM_005918.4(MDH2):c.633+5dup

Gene: MDH2 (malate dehydrogenase 2; plus strand). Cytogenetic location: 7q11.23.
Variant type: Duplication.
Coding change: c.633+5dup on transcript NM_005918.4 (MANE Select); 5 bases into the intron after coding-DNA position 633, one base duplicated (A; older notation c.633+5dupA).
Molecular consequence: intron variant.
Genome position (GRCh38, 1-based): chr7:76,063,597, A duplicated. VCF-style (leftmost placement, unchanged base first): chr7-76063596-C-CA. GRCh37 (hg19) VCF-style: chr7-75692914-C-CA.
Other names: c.507+5dup (NM_001282403.2); c.312+5dup (NM_001282404.2).
Identifiers: ClinVar variation 2103876 (VCV002103876.4), dbSNP rs2535869814, ClinGen allele CA2580077361.

ClinVar aggregate classification (germline): Uncertain significance (1 of 4 stars; one submission).

Submission:

Labcorp Genetics (formerly Invitae), Labcorp
Classification: Uncertain significance. Last evaluated: 2024-12-02. Review status: criteria provided, single submitter. Criteria: Invitae Variant Classification Sherloc (09022015). Collection method: clinical testing. Allele origin: germline.
Comment: This sequence change falls in intron 6 of the MDH2 gene. It does not directly change the encoded amino acid sequence of the MDH2 protein. It affects a nucleotide within the consensus splice site. This variant is not present in population databases (gnomAD no frequency). This variant has not been reported in the literature in individuals affected with MDH2-related conditions. ClinVar contains an entry for this variant (Variation ID: 2103876). Variants that disrupt the consensus splice site are a relatively common cause of aberrant splicing (PMID: 17576681, 9536098). Algorithms developed to predict the effect of sequence changes on RNA splicing suggest that this variant is not likely to affect RNA splicing. In summary, the available evidence is currently insufficient to determine the role of this variant in disease. Therefore, it has been classified as a Variant of Uncertain Significance.

Literature cited by the submitters: PubMed 17576681; PubMed 9536098.